The following is an entry in ClinVar:

NM_004204.5(PIGQ):c.220G>T (p.Glu74Ter)

Gene: PIGQ (phosphatidylinositol glycan anchor biosynthesis class Q; plus strand). Cytogenetic location: 16p13.3.
Variant type: single nucleotide variant.
Coding change: c.220G>T on transcript NM_004204.5 (MANE Select); coding-DNA position 220, G replaced by T.
Protein change: p.Glu74Ter; replaces glutamic acid 74 with a stop codon.
Molecular consequence: nonsense.
Genome position (GRCh38, 1-based): chr16:574,294, G>T. VCF-style: chr16-574294-G-T. GRCh37 (hg19) VCF-style: chr16-624294-G-T.
Other names: c.220G>T, p.Glu74Ter (NM_148920.4); short protein forms E74*.
Identifiers: ClinVar variation 2976561 (VCV002976561.3), dbSNP rs776641714, ClinGen allele CA394046895.

ClinVar aggregate classification (germline): Pathogenic (1 of 4 stars; one submission).

Conditions:
Epilepsy. Also called: Seizure disorder. Identifiers: MedGen C0014544, MeSH D004827, MONDO:0005027.

Submission:

Labcorp Genetics (formerly Invitae), Labcorp
Classification: Pathogenic for Epilepsy. Last evaluated: 2025-09-17. Review status: criteria provided, single submitter. Criteria: Invitae Variant Classification Sherloc (09022015). Collection method: clinical testing. Allele origin: germline.
Comment: This sequence change creates a premature translational stop signal (p.Glu74*) in the PIGQ gene. It is expected to result in an absent or disrupted protein product. Loss-of-function variants in PIGQ are known to be pathogenic (PMID: 24463883, 25558065). This variant is not present in population databases (gnomAD no frequency). This variant has not been reported in the literature in individuals affected with PIGQ-related conditions. ClinVar contains an entry for this variant (Variation ID: 2976561). For these reasons, this variant has been classified as Pathogenic.

Literature cited by the submitters: PubMed 24463883; PubMed 25558065.